The following is an entry in ClinVar:

NM_000051.4(ATM):c.4909+4C>G

Gene: ATM (ATM serine/threonine kinase; plus strand). Cytogenetic location: 11q22.3.
Variant type: single nucleotide variant.
Coding change: c.4909+4C>G on transcript NM_000051.4 (MANE Select); 4 bases into the intron after coding-DNA position 4909, C replaced by G.
Molecular consequence: intron variant.
Genome position (GRCh38, 1-based): chr11:108,295,063, C>G. VCF-style: chr11-108295063-C-G. GRCh37 (hg19) VCF-style: chr11-108165790-C-G.
Other names: c.4909+4C>G (NM_000051.3, NM_001351834.2).
Identifiers: ClinVar variation 2908534 (VCV002908534.5), dbSNP rs587782125, ClinGen allele CA2724943989.

ClinVar aggregate classification (germline): Uncertain significance. Review status: criteria provided, multiple submitters, no conflicts (2 of 4 stars). 2 submissions from 2 submitters: Uncertain significance (2). Last evaluated 2025-09-26.

Conditions:
Hereditary cancer-predisposing syndrome. Also called: Hereditary Cancer Syndrome; Tumor predisposition; Neoplastic Syndromes, Hereditary; Hereditary neoplastic syndrome. Identifiers: Orphanet 140162, MedGen C0027672, MeSH D009386, MONDO:0015356.
Ataxia-telangiectasia syndrome (AT). Also called: Cerebello-oculocutaneous telangiectasia; Immunodeficiency with ataxia telangiectasia; Ataxia-telangiectasia, complementation group E; Ataxia telangiectasia (A-T); AT, COMPLEMENTATION GROUP C; ATAXIA-TELANGIECTASIA, COMPLEMENTATION GROUP A. Identifiers: Orphanet 100, MedGen C0004135, MONDO:0008840, OMIM 208900.

Submissions (2):

Ambry Genetics
Classification: Uncertain significance for Hereditary cancer-predisposing syndrome. Last evaluated: 2025-09-26. Review status: criteria provided, single submitter. Criteria: Ambry Variant Classification Scheme 2023. Collection method: clinical testing. Allele origin: germline.
Comment: The c.4909+4C>G intronic variant results from a C to G substitution 4 nucleotides after coding exon 31 in the ATM gene. This nucleotide position is well conserved in available vertebrate species. In silico splice site analysis predicts that this alteration will result in the creation or strengthening of a novel splice donor site. RNA studies have demonstrated that this alteration results in a transcript predicted to lead to a protein with an in-frame insertion of 1 amino acid(s); however, the exact functional impact of the inserted amino acid(s) is unknown at this time (Ambry internal data). Based on the available evidence, the clinical significance of this variant remains unclear.

Labcorp Genetics (formerly Invitae), Labcorp
Classification: Uncertain significance for Ataxia-telangiectasia syndrome. Last evaluated: 2023-08-24. Review status: criteria provided, single submitter. Criteria: Invitae Variant Classification Sherloc (09022015). Collection method: clinical testing. Allele origin: germline.
Comment: Variants that disrupt the consensus splice site are a relatively common cause of aberrant splicing (PMID: 17576681, 9536098). Algorithms developed to predict the effect of sequence changes on RNA splicing suggest that this variant may create or strengthen a splice site. This sequence change falls in intron 32 of the ATM gene. It does not directly change the encoded amino acid sequence of the ATM protein. It affects a nucleotide within the consensus splice site. This variant is not present in population databases (gnomAD no frequency). This variant has not been reported in the literature in individuals affected with ATM-related conditions. In summary, the available evidence is currently insufficient to determine the role of this variant in disease. Therefore, it has been classified as a Variant of Uncertain Significance.

Literature cited by the submitters: PubMed 17576681 (cited by Labcorp Genetics (formerly Invitae), Labcorp); PubMed 9536098 (cited by Labcorp Genetics (formerly Invitae), Labcorp).